The following is an entry in ClinVar:

ClinVar aggregate classification (germline): Benign/Likely benign. Review status: criteria provided, multiple submitters, no conflicts (2 of 4 stars). 4 submissions from 4 submitters: Benign (1); Likely benign (3). Last evaluated 2024-04-18.

Conditions:
Hereditary cancer-predisposing syndrome. Also called: Tumor predisposition; Neoplastic Syndromes, Hereditary; Hereditary Cancer Syndrome; Hereditary neoplastic syndrome. Identifiers: Orphanet 140162, MedGen C0027672, MeSH D009386, MONDO:0015356.
Familial cancer of breast. Also called: BREAST CANCER, FAMILIAL; hereditary breast carcinoma; Hereditary breast cancer. Identifiers: Orphanet 227535, MedGen C0346153, MONDO:0016419, OMIM 114480. Disease mechanism: loss of function.
Ataxia-telangiectasia syndrome (AT). Also called: Ataxia-telangiectasia; Ataxia-telangiectasia, complementation group D; AT, COMPLEMENTATION GROUP C; LOUIS-BAR SYNDROME; Cerebello-oculocutaneous telangiectasia; Immunodeficiency with ataxia telangiectasia. Identifiers: Orphanet 100, MedGen C0004135, MONDO:0008840, OMIM 208900.

Allele frequency attached by ClinVar (database versions not stated): gnomAD exomes below 0.00001.
gnomAD v4.1: 4 of 1,613,694 alleles (0.00025%); highest among the groups gnomAD compares: South Asian, 0.0011%; no homozygotes.

Submissions (4):

Myriad Genetics, Inc.
Classification: Benign for Familial cancer of breast. Last evaluated: 2024-04-18. Review status: criteria provided, single submitter. Criteria: Myriad Autosomal Dominant, Autosomal Recessive and X-Linked Classification Criteria (2023). Collection method: clinical testing. Allele origin: unknown.
Comment: This variant is considered benign. This variant is a silent/synonymous amino acid change and it is not expected to impact splicing.

Labcorp Genetics (formerly Invitae), Labcorp
Classification: Likely benign for Ataxia-telangiectasia syndrome. Last evaluated: 2023-12-17. Review status: criteria provided, single submitter. Criteria: Invitae Variant Classification Sherloc (09022015). Collection method: clinical testing. Allele origin: germline.

Ambry Genetics
Classification: Likely benign for Hereditary cancer-predisposing syndrome. Last evaluated: 2020-03-21. Review status: criteria provided, single submitter. Criteria: Ambry Variant Classification Scheme 2023. Collection method: clinical testing. Allele origin: germline.

Color Diagnostics, LLC DBA Color Health
Classification: Likely benign for Hereditary cancer-predisposing syndrome. Last evaluated: 2017-08-21. Review status: criteria provided, single submitter. Criteria: ACMG Guidelines, 2015. Collection method: clinical testing. Allele origin: germline.

NM_000051.4(ATM):c.267C>T (p.Ser89=)

Gene: ATM (ATM serine/threonine kinase; plus strand). Cytogenetic location: 11q22.3.
Variant type: single nucleotide variant.
Coding change: c.267C>T on transcript NM_000051.4 (MANE Select); coding-DNA position 267, C replaced by T.
Protein change: p.Ser89=; no amino-acid change (serine 89 retained).
Molecular consequence: synonymous variant.
Genome position (GRCh38, 1-based): chr11:108,229,259, C>T. VCF-style: chr11-108229259-C-T. GRCh37 (hg19) VCF-style: chr11-108099986-C-T.
Other names: c.267C>T, p.Ser89= (NM_001351834.2, NM_001351835.2, NM_001351836.2).
Identifiers: ClinVar variation 490489 (VCV000490489.14), dbSNP rs1555055198, ClinGen allele CA476668264.